The following is an entry in ClinVar:

ClinVar aggregate classification (germline): Likely pathogenic (0 of 4 stars; one submission).

Conditions:
Nephropathic cystinosis (CTNS). Also called: CYSTINOSIN, DEFECT OF; LYSOSOMAL CYSTINE TRANSPORT PROTEIN, DEFECT OF; Abderhalden Lignac Kaufmann disease; Abderhalden-Kaufmann-Lignac syndrome. Identifiers: Orphanet 213, Orphanet 411629, MedGen C2931187, MONDO:0100151, OMIM 219800.

Submission:

Congenital and Hereditary Diseases, Charles Nicolle Hospital
Classification: Likely pathogenic for Nephropathic cystinosis. Last evaluated: 2021-03-01. Review status: no assertion criteria provided. Collection method: clinical testing. Allele origin: germline. Inheritance: Autosomal recessive inheritance. Affected: yes. Observed: 13 variant alleles, 7 heterozygotes, 1 compound heterozygote, 5 homozygotes.
Comment: DNA sequencing revealed novel homozygous splicing mutation NM_001031681: c.971-1G>C in 6 patients belonging to 4 families. All parents of these patients were consanguineous and were confirmed to be heterozygous carriers. The splicing NM_001031681: c.971-1G>C segregated according to a recessive model with full penetrance. NM_001031681: c.971-1G>C was not referenced in the NHLBI Exome Variant Server or in the ClinVar database. Analysis of NM_001031681: c.971-1G>C with Alamut, predicted change at acceptor site of intron 11, 1 bp downstream and the activation of a cryptic acceptor site at +5 bp. The predicted protein will be p.D324VfsX31.

NM_004937.3(CTNS):c.971-1G>C

Gene: CTNS (cystinosin, lysosomal cystine transporter; plus strand). Cytogenetic location: 17p13.2.
Variant type: single nucleotide variant.
Coding change: c.971-1G>C on transcript NM_004937.3 (MANE Select); the canonical splice acceptor site of the intron before coding-DNA position 971, G replaced by C.
Molecular consequence: splice acceptor variant.
Genome position (GRCh38, 1-based): chr17:3,660,235, G>C. VCF-style: chr17-3660235-G-C. GRCh37 (hg19) VCF-style: chr17-3563529-G-C.
Other names: c.971-1G>C (NM_001031681.3, NM_001374492.1); c.530-1G>C (NM_001374493.1, NM_001374495.1, NM_001374494.1 and 1 more transcripts).
Identifiers: ClinVar variation 1065114 (VCV001065114.2), dbSNP rs2142982540, ClinGen allele CA397693965.
Genomic context (GRCh38, chr17:3,660,235, plus strand): 5'-GCTCCAGCTGCCTCAGGAGCTGCCAACCTAACACCAGCTTCTGTCCCCCGGCTGCTAACA[G>C]ACCAGTGGACGCTGATCTTCGGAGACCCAACCAAGTTTGGACTCGGGGTCTTCTCCATCG-3'